The following is an entry in ClinVar:

ClinVar aggregate classification (germline): Likely benign (0 of 4 stars; one submission).

Conditions:
CDK8-related disorder. Also called: CDK8-related condition.

Allele frequency attached by ClinVar (database versions not stated): TOPMed below 0.00001; gnomAD 0.00001; gnomAD exomes 0.00001.
gnomAD v4.1: 4 of 1,613,372 alleles (0.00025%); highest among the groups gnomAD compares: Non-Finnish European, 0.00025%; no homozygotes.

Submission:

PreventionGenetics, part of Exact Sciences
Classification: Likely benign for CDK8-related condition. Last evaluated: 2019-12-18. Review status: no assertion criteria provided. Collection method: clinical testing. Allele origin: germline.
Comment: This variant is classified as likely benign based on ACMG/AMP sequence variant interpretation guidelines (Richards et al. 2015 PMID: 25741868, with internal and published modifications).

NM_001260.3(CDK8):c.*8C>T

Gene: CDK8 (cyclin dependent kinase 8; plus strand). Cytogenetic location: 13q12.13.
Variant type: single nucleotide variant.
Coding change: c.*8C>T on transcript NM_001260.3 (MANE Select); 8 bases downstream of the stop codon, C replaced by T.
Molecular consequence: 3 prime UTR variant.
Genome position (GRCh38, 1-based): chr13:26,404,089, C>T. VCF-style: chr13-26404089-C-T. GRCh37 (hg19) VCF-style: chr13-26978226-C-T.
Other names: c.*8C>T (NM_001318368.2, NM_001346501.2).
Identifiers: ClinVar variation 3048243 (VCV003048243.2), dbSNP rs1266450534, ClinGen allele CA608943546.